The following is an entry in ClinVar:

ClinVar aggregate classification (germline): Uncertain significance (1 of 4 stars; one submission).

gnomAD v4.1: 2 of 1,614,010 alleles (0.00012%); highest among the groups gnomAD compares: Non-Finnish European, 0.000085%; no homozygotes.

Submission:

Labcorp Genetics (formerly Invitae), Labcorp
Classification: Uncertain significance. Last evaluated: 2022-07-19. Review status: criteria provided, single submitter. Criteria: Invitae Variant Classification Sherloc (09022015). Collection method: clinical testing. Allele origin: germline.
Comment: In summary, the available evidence is currently insufficient to determine the role of this variant in disease. Therefore, it has been classified as a Variant of Uncertain Significance. Algorithms developed to predict the effect of missense changes on protein structure and function are either unavailable or do not agree on the potential impact of this missense change (SIFT: "Deleterious"; PolyPhen-2: "Probably Damaging"; Align-GVGD: "Class C15"). ClinVar contains an entry for this variant (Variation ID: 1472038). This variant has not been reported in the literature in individuals affected with SPTBN2-related conditions. This variant is not present in population databases (gnomAD no frequency). This sequence change replaces glutamic acid, which is acidic and polar, with lysine, which is basic and polar, at codon 1634 of the SPTBN2 protein (p.Glu1634Lys).

NM_006946.4(SPTBN2):c.4900G>A (p.Glu1634Lys)

Gene: SPTBN2 (spectrin beta, non-erythrocytic 2; minus strand). Cytogenetic location: 11q13.2.
Variant type: single nucleotide variant.
Coding change: c.4900G>A on transcript NM_006946.4 (MANE Select); coding-DNA position 4900, G replaced by A.
Protein change: p.Glu1634Lys; replaces glutamic acid 1634 with lysine.
Molecular consequence: missense variant.
Genome position (GRCh38, 1-based): chr11:66,693,055, C>T on the plus strand (G>A on the coding strand, the complement: SPTBN2 is on the minus strand). VCF-style: chr11-66693055-C-T. GRCh37 (hg19) VCF-style: chr11-66460526-C-T.
Other names: short protein forms E1634K.
Identifiers: ClinVar variation 1472038 (VCV001472038.8), dbSNP rs1053842135, ClinGen allele CA224079369.